The following is an entry in ClinVar:

ClinVar aggregate classification (germline): Uncertain significance. Review status: criteria provided, single submitter (1 of 4 stars). 2 submissions from 2 submitters: Uncertain significance (1). 1 of the submissions does not count toward it. Last evaluated 2025-06-10.

Conditions:
SEMA3B-related disorder. Also called: SEMA3B-related condition.

gnomAD v4.1: 24 of 1,536,136 alleles (0.0016%); highest among the groups gnomAD compares: Admixed American, 0.0059%; no homozygotes.

Submissions (2):

Ambry Genetics
Classification: Uncertain significance. Last evaluated: 2025-06-10. Review status: criteria provided, single submitter. Criteria: Ambry Variant Classification Scheme 2023. Collection method: clinical testing. Allele origin: germline.

PreventionGenetics, part of Exact Sciences
Classification: Uncertain significance for SEMA3B-related condition. Last evaluated: 2024-08-23. Review status: no assertion criteria provided. Collection method: clinical testing. Allele origin: germline. Not counted in ClinVar's aggregate classification.
Comment: The SEMA3B c.8G>A variant is predicted to result in the amino acid substitution p.Arg3Gln. To our knowledge, this variant has not been reported in the literature. This variant is reported in 0.0082% of alleles in individuals of Latino descent in gnomAD. At this time, the clinical significance of this variant is uncertain due to the absence of conclusive functional and genetic evidence.

NM_001290060.2(SEMA3B):c.8G>A (p.Arg3Gln)

Gene: SEMA3B (semaphorin 3B; plus strand). Cytogenetic location: 3p21.31.
Variant type: single nucleotide variant.
Coding change: c.8G>A on transcript NM_001290060.2 (MANE Select); coding-DNA position 8, G replaced by A.
Protein change: p.Arg3Gln; replaces arginine 3 with glutamine.
Molecular consequence: missense variant.
Genome position (GRCh38, 1-based): chr3:50,269,248, G>A. VCF-style: chr3-50269248-G-A. GRCh37 (hg19) VCF-style: chr3-50306680-G-A.
Other names: c.8G>A (NM_004636.2); c.8G>A, p.Arg3Gln (NM_001005914.3, NM_001290061.1, NM_004636.4); short protein forms R3Q.
Identifiers: ClinVar variation 3353454 (VCV003353454.2).
Genomic context (GRCh38, chr3:50,269,248, plus strand): 5'-AAGGCTCCTCCACACACACACCCGCTGAACCCTGAGCACCCTGAGCTGCTGAGATGGGGC[G>A]GGCCGGGGCTGCCGCCGTGATCCCGGGCCTGGCCCTGCTCTGGGCAGTGGGGCTGGGGAG-3'
Protein context (NP_001276989.1, residues 1-13): MG[Arg3Gln]AGAAAVIPGL